The following is an entry in ClinVar:

ClinVar aggregate classification (germline): Conflicting classifications of pathogenicity. Review status: criteria provided, conflicting classifications (1 of 4 stars). 2 submissions from 2 submitters: Uncertain significance (1); Likely benign (1). Last evaluated 2025-08-29.

Conditions:
Hereditary cancer-predisposing syndrome. Also called: Neoplastic Syndromes, Hereditary; Tumor predisposition; Hereditary neoplastic syndrome; Hereditary Cancer Syndrome. Identifiers: Orphanet 140162, MedGen C0027672, MeSH D009386, MONDO:0015356.
Familial cancer of breast. Also called: BREAST CANCER, FAMILIAL; Hereditary breast cancer; hereditary breast carcinoma. Identifiers: Orphanet 227535, MedGen C0346153, MONDO:0016419, OMIM 114480. Disease mechanism: loss of function.

Submissions (2):

Labcorp Genetics (formerly Invitae), Labcorp
Classification: Uncertain significance for Familial cancer of breast. Last evaluated: 2025-08-29. Review status: criteria provided, single submitter. Criteria: Invitae Variant Classification Sherloc (09022015). Collection method: clinical testing. Allele origin: germline.
Comment: This sequence change replaces leucine, which is neutral and non-polar, with arginine, which is basic and polar, at codon 253 of the PALB2 protein (p.Leu253Arg). This variant is not present in population databases (gnomAD no frequency). This variant has not been reported in the literature in individuals affected with PALB2-related conditions. ClinVar contains an entry for this variant (Variation ID: 1366107). An algorithm developed to predict the effect of missense changes on protein structure and function outputs the following: PolyPhen-2: "Benign". The arginine amino acid residue is found in multiple mammalian species, which suggests that this missense change does not adversely affect protein function. In summary, the available evidence is currently insufficient to determine the role of this variant in disease. Therefore, it has been classified as a Variant of Uncertain Significance.

Ambry Genetics
Classification: Likely benign for Hereditary cancer-predisposing syndrome. Last evaluated: 2024-06-24. Review status: criteria provided, single submitter. Criteria: Ambry Variant Classification Scheme 2023. Collection method: clinical testing. Allele origin: germline.

NM_024675.4(PALB2):c.758T>G (p.Leu253Arg)

Gene: PALB2 (partner and localizer of BRCA2; minus strand). Cytogenetic location: 16p12.2.
Variant type: single nucleotide variant.
Coding change: c.758T>G on transcript NM_024675.4 (MANE Select); coding-DNA position 758, T replaced by G.
Protein change: p.Leu253Arg; replaces leucine 253 with arginine.
Molecular consequence: missense variant.
Genome position (GRCh38, 1-based): chr16:23,635,788, A>C on the plus strand (T>G on the coding strand, the complement: PALB2 is on the minus strand). VCF-style: chr16-23635788-A-C. GRCh37 (hg19) VCF-style: chr16-23647109-A-C.
Other names: c.758T>G (NM_024675.3); short protein forms L253R.
Identifiers: ClinVar variation 1366107 (VCV001366107.8), dbSNP rs2142435363, ClinGen allele CA395136164.